The following is an entry in ClinVar:

NM_000360.4(TH):c.180_181insTCAAACA (p.Pro61fs)

Gene: TH (tyrosine hydroxylase; minus strand). Cytogenetic location: 11p15.5.
Variant type: Insertion.
Coding change: c.180_181insTCAAACA on transcript NM_000360.4 (MANE Select); coding-DNA positions 180 to 181, TCAAACA inserted.
Protein change: p.Pro61fs; shifts the reading frame from proline 61.
Molecular consequence: frameshift variant.
Genome position: GRCh38 VCF-style: chr11-2169781-G-GTGTTTGA. GRCh37 (hg19) VCF-style: chr11-2191011-G-GTGTTTGA.
Other names: c.192_193insTCAAACA, p.Pro65fs (NM_001440535.1, NM_001440536.1); c.180_181insTCAAACA, p.Pro61fs (NM_001440537.1); c.273_274insTCAAACA, p.Pro92fs (NM_199292.3); c.261_262insTCAAACA, p.Pro88fs (NM_199293.3); short protein forms P61fs, P65fs, P88fs, P92fs.
Identifiers: ClinVar variation 5012346 (VCV005012346.1).

ClinVar aggregate classification (germline): Pathogenic (1 of 4 stars; one submission).

Conditions:
TH-deficient dopa-responsive dystonia. Also called: Segawa syndrome, autosomal recessive; Tyrosine Hydroxylase-Deficient Dopa-Responsive Dystonia; DYT-TH. Identifiers: Orphanet 101150, MedGen C2673535, MONDO:0011551, OMIM 605407.

Submission:

Myriad Genetics, Inc.
Classification: Pathogenic for TH-deficient dopa-responsive dystonia. Last evaluated: 2023-09-30. Review status: criteria provided, single submitter. Criteria: Myriad Autosomal Dominant, Autosomal Recessive and X-Linked Classification Criteria (2023). Collection method: clinical testing. Allele origin: unknown.
Comment: NM_199292.2(TH):c.273_274ins7(P92Sfs*16) is expected to be pathogenic in the context of tyrosine hydroxylase deficiency. This variant is predicted to lead to an abnormal or absent protein product due to the creation of a premature termination codon in TH, a gene where loss-of-function variants are known to be pathogenic. Please note: this variant was assessed in the context of healthy population screening.